The following is an entry in ClinVar:

ClinVar aggregate classification (germline): Pathogenic. Review status: criteria provided, multiple submitters, no conflicts (2 of 4 stars). 3 submissions from 3 submitters: Pathogenic (3). Last evaluated 2026-09-08.

Conditions:
Fabry disease. Also called: GLA DEFICIENCY; Fabry's disease; ALPHA-GALACTOSIDASE A DEFICIENCY; ANDERSON-FABRY DISEASE; CERAMIDE TRIHEXOSIDASE DEFICIENCY; Ceramide trihexosidosis. Identifiers: Orphanet 324, MedGen C0002986, MONDO:0010526, OMIM 301500, HP:0001071. Disease mechanism: Fabry disease is due to inactivating mutations in the X-linked GLA gene resulting in deficiency of the enzyme Alpha Galactosidase-A., loss of function.

Submissions (3):

Genomenon, Inc
Classification: Pathogenic for Fabry disease. Last evaluated: 2026-09-08. Review status: criteria provided, single submitter. Criteria: Genomenon Sequence Variant Interpretation Standards - Updated. Collection method: curation. Allele origin: germline. Affected: yes.
Comment: GLA p.Asp92Asn (c.274G>A) is a missense variant that changes the amino acid at codon 92 from Aspartic acid to Asparagine. This variant has been observed in at least one proband with clinical features consistent with Fabry disease (PMID:12428061;11322659;28100976). At least one functional study has demonstrated a substantial alteration in protein function relative to the wild-type (PMID:21598360;27657681). This variant is located in a mutational hotspot and/or important functional domain. It is absent or not present at a significant frequency in gnomAD. In silico models predict that this variant is possibly or probably damaging. In conclusion, we classify GLA p.Asp92Asn (c.274G>A) as a pathogenic variant.

Labcorp Genetics (formerly Invitae), Labcorp
Classification: Pathogenic for Fabry disease. Last evaluated: 2023-06-21. Review status: criteria provided, single submitter. Criteria: Invitae Variant Classification Sherloc (09022015). Collection method: clinical testing. Allele origin: germline.
Comment: This sequence change replaces aspartic acid, which is acidic and polar, with asparagine, which is neutral and polar, at codon 92 of the GLA protein (p.Asp92Asn). This variant is not present in population databases (gnomAD no frequency). This missense change has been observed in individual(s) with clinical features of Fabry disease (PMID: 11322659; Invitae). ClinVar contains an entry for this variant (Variation ID: 499270). Advanced modeling of protein sequence and biophysical properties (such as structural, functional, and spatial information, amino acid conservation, physicochemical variation, residue mobility, and thermodynamic stability) performed at Invitae indicates that this missense variant is expected to disrupt GLA protein function. Experimental studies have shown that this missense change affects GLA function (PMID: 21598360). This variant disrupts the p.Asp92 amino acid residue in GLA. Other variant(s) that disrupt this residue have been observed in individuals with GLA-related conditions (PMID: 9100224, 18724168, 20367968), which suggests that this may be a clinically significant amino acid residue. For these reasons, this variant has been classified as Pathogenic.

Eurofins Ntd Llc (ga)
Classification: Pathogenic. Last evaluated: 2016-12-19. Review status: criteria provided, single submitter. Criteria: EGL Classification Definitions 2015. Collection method: clinical testing. Allele origin: germline. Observed: 1 variant allele, 1 heterozygote.

Literature cited by the submitters: PubMed 12428061 (cited by Genomenon, Inc and Eurofins Ntd Llc (ga)); PubMed 11322659 (cited by 3 submitters); PubMed 28100976 (cited by Genomenon, Inc); PubMed 21598360 (cited by 3 submitters); PubMed 27657681 (cited by Genomenon, Inc); PubMed 9100224 (cited by Labcorp Genetics (formerly Invitae), Labcorp); PubMed 18724168 (cited by Labcorp Genetics (formerly Invitae), Labcorp); PubMed 20367968 (cited by Labcorp Genetics (formerly Invitae), Labcorp).

NM_000169.3(GLA):c.274G>A (p.Asp92Asn)

Genes: GLA (galactosidase alpha; minus strand), RPL36A-HNRNPH2 (RPL36A-HNRNPH2 readthrough; plus strand). Cytogenetic location: Xq22.1.
Variant type: single nucleotide variant.
Coding change: c.274G>A on transcript NM_000169.3 (MANE Select); coding-DNA position 274, G replaced by A.
Protein change: p.Asp92Asn; replaces aspartic acid 92 with asparagine.
Molecular consequence: missense variant. On other transcripts: non-coding transcript variant (3), intron variant (2).
Genome position (GRCh38, 1-based): chrX:101,403,906, C>T on the plus strand (G>A on the coding strand, the complement: GLA is on the minus strand). VCF-style: chrX-101403906-C-T. GRCh37 (hg19) VCF-style: chrX-100658894-C-T.
Other names: c.397G>A, p.Asp133Asn (NM_001406747.1, NM_001406749.1); c.274G>A, p.Asp92Asn (NM_001406748.1); c.301-8030C>T (NM_001199973.2); c.178-8030C>T (NM_001199974.2); short protein forms D92N, D133N.
Identifiers: ClinVar variation 499270 (VCV000499270.10), dbSNP rs886041315, ClinGen allele CA16616754.